The following is an entry in ClinVar:

ClinVar aggregate classification (germline): Uncertain significance (1 of 4 stars; one submission).

gnomAD v4.1: 5 of 1,608,824 alleles (0.00031%); highest among the groups gnomAD compares: Non-Finnish European, 0.00042%; no homozygotes.

Submission:

Labcorp Genetics (formerly Invitae), Labcorp
Classification: Uncertain significance. Last evaluated: 2024-10-17. Review status: criteria provided, single submitter. Criteria: Invitae Variant Classification Sherloc (09022015). Collection method: clinical testing. Allele origin: germline.
Comment: This sequence change replaces methionine, which is neutral and non-polar, with valine, which is neutral and non-polar, at codon 395 of the GLYCTK protein (p.Met395Val). This variant is not present in population databases (gnomAD no frequency). This variant has not been reported in the literature in individuals affected with GLYCTK-related conditions. ClinVar contains an entry for this variant (Variation ID: 1373500). An algorithm developed to predict the effect of missense changes on protein structure and function outputs the following: PolyPhen-2: "Benign". The valine amino acid residue is found in multiple mammalian species, which suggests that this missense change does not adversely affect protein function. In summary, the available evidence is currently insufficient to determine the role of this variant in disease. Therefore, it has been classified as a Variant of Uncertain Significance.

NM_145262.4(GLYCTK):c.1183A>G (p.Met395Val)

Gene: GLYCTK (glycerate kinase; plus strand). Cytogenetic location: 3p21.2.
Variant type: single nucleotide variant.
Coding change: c.1183A>G on transcript NM_145262.4 (MANE Select); coding-DNA position 1183, A replaced by G.
Protein change: p.Met395Val; replaces methionine 395 with valine.
Molecular consequence: missense variant. On other transcripts: 3 prime UTR variant (1), non-coding transcript variant (2).
Genome position (GRCh38, 1-based): chr3:52,292,737, A>G. VCF-style: chr3-52292737-A-G. GRCh37 (hg19) VCF-style: chr3-52326753-A-G.
Other names: c.*302A>G (NM_001144951.2); short protein forms M395V.
Identifiers: ClinVar variation 1373500 (VCV001373500.6), dbSNP rs2153221164, ClinGen allele CA353075435.
Genomic context (GRCh38, chr3:52,292,737, plus strand): 5'-CATGAGCTGGCAGCTGAGCTTCAGATCCCAGACCTGCAGCTGGAGGAGGCTCTGGAGACC[A>G]TGGCATGGGGAAGGGGCCCAGTCTGCCTGCTGGCTGGTGGCGAGCCCACAGTACAGCTGC-3'
Protein context (NP_660305.2, residues 385-405): DLQLEEALET[Met395Val]AWGRGPVCLL